The following is an entry in ClinVar:

ClinVar aggregate classification (germline): Uncertain significance (1 of 4 stars; one submission).

Conditions:
Hereditary cancer-predisposing syndrome. Also called: Tumor predisposition; Hereditary neoplastic syndrome; Hereditary Cancer Syndrome; Neoplastic Syndromes, Hereditary. Identifiers: Orphanet 140162, MedGen C0027672, MeSH D009386, MONDO:0015356.

gnomAD v4.1: 1 of 1,613,914 alleles (0.000062%); highest among the groups gnomAD compares: Non-Finnish European, 0.000085%; no homozygotes.

Submission:

Ambry Genetics
Classification: Uncertain significance for Hereditary cancer-predisposing syndrome. Last evaluated: 2024-01-27. Review status: criteria provided, single submitter. Criteria: Ambry Variant Classification Scheme 2023. Collection method: clinical testing. Allele origin: germline.
Comment: The p.H23L variant (also known as c.68A>T), located in coding exon 1 of the CDKN1B gene, results from an A to T substitution at nucleotide position 68. The histidine at codon 23 is replaced by leucine, an amino acid with similar properties. This amino acid position is conserved. In addition, this alteration is predicted to be tolerated by in silico analysis. Based on the available evidence, the clinical significance of this alteration remains unclear.

NM_004064.5(CDKN1B):c.68A>T (p.His23Leu)

Gene: CDKN1B (cyclin dependent kinase inhibitor 1B; plus strand). Cytogenetic location: 12p13.1.
Variant type: single nucleotide variant.
Coding change: c.68A>T on transcript NM_004064.5 (MANE Select); coding-DNA position 68, A replaced by T.
Protein change: p.His23Leu; replaces histidine 23 with leucine.
Molecular consequence: missense variant.
Genome position (GRCh38, 1-based): chr12:12,717,907, A>T. VCF-style: chr12-12717907-A-T. GRCh37 (hg19) VCF-style: chr12-12870841-A-T.
Other names: short protein forms H23L.
Identifiers: ClinVar variation 3223688 (VCV003223688.1), dbSNP rs1946487581, ClinGen allele CA383968303.